The following is an entry in ClinVar:

NM_003722.5(TP63):c.1746+5G>A

Gene: TP63 (tumor protein p63; plus strand). Cytogenetic location: 3q28.
Variant type: single nucleotide variant.
Coding change: c.1746+5G>A on transcript NM_003722.5 (MANE Select); 5 bases into the intron after coding-DNA position 1746, G replaced by A.
Molecular consequence: intron variant.
Genome position (GRCh38, 1-based): chr3:189,890,887, G>A. VCF-style: chr3-189890887-G-A. GRCh37 (hg19) VCF-style: chr3-189608676-G-A.
Other names: c.1740+5G>A (NM_001329964.2); c.1652+1403G>A (NM_001114978.2); c.1508-3319G>A (NM_001329144.2); c.1734+5G>A (NM_001329148.2); c.1464+5G>A (NM_001114980.2); c.1370+1403G>A (NM_001114981.2); c.1226-3319G>A (NM_001329145.2); c.1214-3319G>A (NM_001329149.2); and 2 more.
Identifiers: ClinVar variation 478109 (VCV000478109.5), dbSNP rs1553863040, ClinGen allele CA658657358.

ClinVar aggregate classification (germline): Uncertain significance. Review status: criteria provided, multiple submitters, no conflicts (2 of 4 stars). 2 submissions from 2 submitters: Uncertain significance (2). Last evaluated 2025-06-16.

Conditions:
TP63-Related Spectrum Disorders.
TP63-related disorder. Also called: TP63-related condition; TP63-Related Disorders. Identifiers: MedGen CN380159.

Submissions (2):

3billion
Classification: Uncertain significance for TP63-related disorder. Last evaluated: 2025-06-16. Review status: criteria provided, single submitter. Criteria: ACMG Guidelines, 2015. Collection method: clinical testing. Allele origin: germline. Affected: yes.
Comment: The variant is not observed in the gnomAD v4.1.0 dataset. Predicted Consequence/Location: Intron variant In silico tools predict the variant to alter splicing and produce an abnormal transcript [SpliceAI: 0.94 (>=0.2, moderate evidence for spliceogenicity)]. The variant has been reported as of uncertain significance (ClinVar ID: VCV000478109). Therefore, this variant is classified as VUS according to the recommendation of ACMG/AMP guideline.

Labcorp Genetics (formerly Invitae), Labcorp
Classification: Uncertain significance. Last evaluated: 2017-07-10. Review status: criteria provided, single submitter. Criteria: Invitae Variant Classification Sherloc (09022015). Collection method: clinical testing. Allele origin: germline.
Comment: This sequence change falls in intron 13 of the TP63 gene. It does not directly change the encoded amino acid sequence of the TP63 protein, but it affects a nucleotide within the consensus splice site of the intron. This variant is not present in population databases (ExAC no frequency). This variant has not been reported in the literature in individuals with TP63-related disease. Nucleotide substitutions within the consensus splice site are relatively common causes of aberrant splicing (PMID: 17576681, 9536098). Algorithms developed to predict the effect of sequence changes on RNA splicing suggest that this variant may disrupt the consensus splice site, but this prediction has not been confirmed by published transcriptional studies. This variant falls in the last intron of the TP63 gene, and may disrupt splicing of the final exon. A number of variants that truncate the final exon have been reported in individuals affected with TP63-related disorders (PMID: 11462173, 16691622, 19676060). Experimental studies have shown that there is an inhibitory domain at the end of the protein that represses TP63 transcriptional activity, and that deletion of this region results in aberrantly increased transcription (PMID: 12446779, 15539951, 21652629). However, the effect of this particular variant on TP63 RNA splicing and protein function is currently unknown. In summary, the available evidence is currently insufficient to determine the role of this variant in disease. Therefore, it has been classified as a Variant of Uncertain Significance.

Literature cited by the submitters: PubMed 17576681 (cited by Labcorp Genetics (formerly Invitae), Labcorp); PubMed 9536098 (cited by Labcorp Genetics (formerly Invitae), Labcorp); PubMed 11462173 (cited by Labcorp Genetics (formerly Invitae), Labcorp); PubMed 16691622 (cited by Labcorp Genetics (formerly Invitae), Labcorp); PubMed 19676060 (cited by Labcorp Genetics (formerly Invitae), Labcorp); PubMed 12446779 (cited by Labcorp Genetics (formerly Invitae), Labcorp); PubMed 15539951 (cited by Labcorp Genetics (formerly Invitae), Labcorp); PubMed 21652629 (cited by Labcorp Genetics (formerly Invitae), Labcorp).